The following is an entry in ClinVar:

NM_015059.3(TLN2):c.7257C>T (p.His2419=)

Genes: TLN2 (talin 2; plus strand), TLN2-AS3 (TLN2 antisense RNA 3; minus strand). Cytogenetic location: 15q22.2.
Variant type: single nucleotide variant.
Coding change: c.7257C>T on transcript NM_015059.3 (MANE Select); coding-DNA position 7257, C replaced by T.
Protein change: p.His2419=; no amino-acid change (histidine 2419 retained).
Molecular consequence: synonymous variant.
Genome position (GRCh38, 1-based): chr15:62,835,956, C>T. VCF-style: chr15-62835956-C-T. GRCh37 (hg19) VCF-style: chr15-63128155-C-T.
Other names: c.7257C>T, p.His2419= (NM_001394547.1).
Identifiers: ClinVar variation 2645422 (VCV002645422.24), dbSNP rs369147646, ClinGen allele CA7601006.

ClinVar aggregate classification (germline): Likely benign (1 of 4 stars; one submission).

Allele frequency attached by ClinVar (database versions not stated): gnomAD 0.00005; gnomAD exomes 0.00007; ESP Exome Variant Server 0.00008; TOPMed 0.00011; ExAC 0.00015.
gnomAD v4.1: 115 of 1,614,060 alleles (0.0071%); highest among the groups gnomAD compares: Admixed American, 0.053%; 1 homozygote.

Submission:

CeGaT Center for Human Genetics Tuebingen
Classification: Likely benign. Last evaluated: 2022-03-01. Review status: criteria provided, single submitter. Criteria: CeGaT Center For Human Genetics Tuebingen Variant Classification Criteria Version 2. Collection method: clinical testing. Allele origin: germline. Affected: yes. Observed: 1 variant allele.
Comment: TLN2: BP4, BP7